The following is an entry in ClinVar:

NM_033004.4(NLRP1):c.2973G>A (p.Val991=)

Gene: NLRP1 (NLR family pyrin domain containing 1; minus strand). Cytogenetic location: 17p13.2.
Variant type: single nucleotide variant.
Coding change: c.2973G>A on transcript NM_033004.4 (MANE Select); coding-DNA position 2973, G replaced by A.
Protein change: p.Val991=; no amino-acid change (valine 991 retained).
Molecular consequence: synonymous variant.
Genome position (GRCh38, 1-based): chr17:5,533,976, C>T on the plus strand (G>A on the coding strand, the complement: NLRP1 is on the minus strand). VCF-style: chr17-5533976-C-T. GRCh37 (hg19) VCF-style: chr17-5437296-C-T.
Other names: p.Val991=; c.2973G>A, p.Val991= (NM_001033053.3, NM_014922.5); c.2883G>A, p.Val961= (NM_033006.4, NM_033007.4).
Identifiers: ClinVar variation 773588 (VCV000773588.42), dbSNP rs11654427, ClinGen allele CA8326974.
Genomic context (GRCh38, chr17:5,533,976, plus strand): 5'-CTTGAGTGAGGATGTGCTATTACTCATCTCTCCCGTATCCAGGCCCTCAGTAGGGGTCAT[C>T]ACACTTGGTTTCCTGGACAAAGAATTGTTCATTCTGCCTAAGATCTTGGAGGAAGCGAGG-3'
Protein context (NP_127497.1, residues 981-1001): LLIFSRRKPS[Val991=]MTPTEGLDTG

ClinVar aggregate classification (germline): Benign/Likely benign. Review status: criteria provided, multiple submitters, no conflicts (2 of 4 stars). 5 submissions from 5 submitters: Benign (4); Likely benign (1). Last evaluated 2026-07-01.

Allele frequency attached by ClinVar (database versions not stated): 1000 Genomes Project 30x 0.00359; 1000 Genomes Project 0.00419; TOPMed 0.00814; ExAC 0.00915; gnomAD exomes 0.00958 and 0.01190; gnomAD 0.00992 and 0.01011; ESP Exome Variant Server 0.01000.
gnomAD v4.1: 18,663 of 1,610,306 alleles (1.2%); highest among the groups gnomAD compares: Non-Finnish European, 1.3%; 130 homozygotes.

Submissions (5):

CeGaT Center for Human Genetics Tuebingen
Classification: Benign. Last evaluated: 2026-07-01. Review status: criteria provided, single submitter. Criteria: CeGaT Center For Human Genetics Tuebingen Variant Classification Criteria Version 2. Collection method: clinical testing. Allele origin: germline. Affected: yes. Observed: 31 variant alleles.
Comment: NLRP1: BS1, BS2

Labcorp Genetics (formerly Invitae), Labcorp
Classification: Benign. Last evaluated: 2026-02-04. Review status: criteria provided, single submitter. Criteria: Invitae Variant Classification Sherloc (09022015). Collection method: clinical testing. Allele origin: germline.

Blueprint Genetics
Classification: Likely benign. Last evaluated: 2024-11-26. Review status: criteria provided, single submitter. Criteria: ACMG Guidelines, 2015. Collection method: clinical testing. Allele origin: germline.

Mayo Clinic Laboratories, Mayo Clinic
Classification: Benign. Last evaluated: 2024-05-09. Review status: criteria provided, single submitter. Criteria: ACMG Guidelines, 2015. Collection method: clinical testing. Allele origin: germline. Observed: 6 variant alleles.
Comment: BS1, BS2, BP4, BP7

Breakthrough Genomics
Classification: Benign. Review status: criteria provided, single submitter. Criteria: ACMG Guidelines, 2015. Collection method: not provided. Allele origin: germline. Inheritance: Autosomal recessive inheritance. Affected: yes.